The following is an entry in ClinVar:

NM_014018.3(MRPS28):c.213+2T>G

Genes: MRPS28 (mitochondrial ribosomal protein S28; minus strand), TPD52-MRPS28 (TPD52-MRPS28 readthrough; minus strand), LOC130000644 (ATAC-STARR-seq lymphoblastoid active region 27552; plus strand). Cytogenetic location: 8q21.13.
Variant type: single nucleotide variant.
Coding change: c.213+2T>G on transcript NM_014018.3 (MANE Select); the canonical splice donor site of the intron after coding-DNA position 213, T replaced by G.
Molecular consequence: splice donor variant. On other transcripts: intron variant (1).
Genome position (GRCh38, 1-based): chr8:80,030,034, A>C on the plus strand (T>G on the coding strand, the complement: MRPS28 is on the minus strand). VCF-style: chr8-80030034-A-C. GRCh37 (hg19) VCF-style: chr8-80942269-A-C.
Other names: c.435+12586T>G (NM_001387778.1).
Identifiers: ClinVar variation 3069079 (VCV003069079.2), dbSNP rs982446462, ClinGen allele CA4790032.

ClinVar aggregate classification (germline): Uncertain significance (1 of 4 stars; one submission).

Allele frequency attached by ClinVar (database versions not stated): ExAC 0.00003; gnomAD 0.00011.
gnomAD v4.1: 25 of 1,612,052 alleles (0.0016%); highest among the groups gnomAD compares: African/African-American, 0.032%; no homozygotes.

Submission:

Women's Health and Genetics/Laboratory Corporation of America, LabCorp
Classification: Uncertain significance. Last evaluated: 2024-02-07. Review status: criteria provided, single submitter. Criteria: LabCorp Variant Classification Summary - May 2015. Collection method: clinical testing. Allele origin: germline.
Comment: Variant summary: MRPS28 c.213+2T>G is located in a canonical splice-site and is predicted to affect mRNA splicing resulting in a significantly altered protein due to either exon skipping, shortening, or inclusion of intronic material. Several computational tools predict a significant impact on normal splicing: Two predict the variant abolishes a 5' splicing donor site. However, these predictions have yet to be confirmed by functional studies. The variant allele was found at a frequency of 2.4e-05 in 248482 control chromosomes. The available data on variant occurrences in the general population are insufficient to allow any conclusion about variant significance. To our knowledge, no occurrence of c.213+2T>G in individuals affected with Combined Oxidative Phosphorylation Deficiency 47 and no experimental evidence demonstrating its impact on protein function have been reported. No submitters have cited clinical-significance assessments for this variant to ClinVar. Based on the evidence outlined above, the variant was classified as uncertain significance.